The following is an entry in ClinVar:

NC_000015.9:g.(?_55497685)_(55527152_?)del

Gene: RAB27A (RAB27A, member RAS oncogene family; minus strand). Cytogenetic location: 15q21.3.
Variant type: Deletion.
Identifiers: ClinVar variation 1073444 (VCV001073444.2).

ClinVar aggregate classification (germline): Pathogenic (1 of 4 stars; one submission).

Conditions:
Griscelli syndrome type 2 (GS2). Also called: PAID SYNDROME; PARTIAL ALBINISM AND IMMUNODEFICIENCY SYNDROME; GRISCELLI SYNDROME WITH HEMOPHAGOCYTIC SYNDROME. Identifiers: Orphanet 381, Orphanet 79477, MedGen C1868679, MONDO:0011872, OMIM 607624.

Submission:

Labcorp Genetics (formerly Invitae), Labcorp
Classification: Pathogenic for Griscelli syndrome type 2. Last evaluated: 2020-07-19. Review status: criteria provided, single submitter. Criteria: Invitae Variant Classification Sherloc (09022015). Collection method: clinical testing. Allele origin: germline.
Comment: A gross deletion of the genomic region encompassing the full coding sequence of the RAB27A gene has been identified. The boundaries of this event are unknown as the deletion extends beyond the assayed region for this gene and therefore may encompass additional genes. This variant has not been reported in the literature in individuals with RAB27A-related conditions. Loss-of-function variants in RAB27A are known to be pathogenic (PMID: 10835631, 23160464). For these reasons, this variant has been classified as Pathogenic.

Literature cited by the submitters: PubMed 10835631; PubMed 23160464.